The following is an entry in ClinVar:

NM_000152.5(GAA):c.572A>G (p.Tyr191Cys)

Gene: GAA (alpha glucosidase; plus strand). Cytogenetic location: 17q25.3.
Variant type: single nucleotide variant.
Coding change: c.572A>G on transcript NM_000152.5 (MANE Select); coding-DNA position 572, A replaced by G.
Protein change: p.Tyr191Cys; replaces tyrosine 191 with cysteine.
Molecular consequence: missense variant.
Genome position (GRCh38, 1-based): chr17:80,105,774, A>G. VCF-style: chr17-80105774-A-G. GRCh37 (hg19) VCF-style: chr17-78079573-A-G.
Other names: c.572A>G, p.Tyr191Cys (NM_001079803.3, NM_001079804.3, NM_001406741.1 and 1 more transcripts); short protein forms Y191C.
Identifiers: ClinVar variation 2138113 (VCV002138113.8), dbSNP rs2039069093, ClinGen allele CA401362123.
Genomic context (GRCh38, chr17:80,105,774, plus strand): 5'-TGTGGGGAACATCAATAAACCCCCATCTCTTCTAGATCAAAGATCCAGCTAACAGGCGCT[A>G]CGAGGTGCCCTTGGAGACCCCGCATGTCCACAGCCGGGCACCGTCCCCACTCTACAGCGT-3'
Protein context (NP_000143.2, residues 181-201): FTIKDPANRR[Tyr191Cys]EVPLETPHVH

ClinVar aggregate classification (germline): Uncertain significance. Review status: criteria provided, multiple submitters, no conflicts (2 of 4 stars). 3 submissions from 3 submitters: Uncertain significance (3). Last evaluated 2026-07-01.

Conditions:
Glycogen storage disease, type II (IOPD). Also called: CARDIOMEGALIA GLYCOGENICA DIFFUSA; GLYCOGENOSIS, GENERALIZED, CARDIAC FORM; GSD II; Glycogen storage disease type 2; Acid maltase deficiency disease; Aglucosidase alfa. Identifiers: Orphanet 365, MedGen C0017921, MONDO:0009290, OMIM 232300.

Allele frequency attached by ClinVar (database versions not stated): TOPMed below 0.00001.

Submissions (3):

Genomenon, Inc
Classification: Uncertain significance for Glycogen storage disease, type II. Last evaluated: 2026-07-01. Review status: criteria provided, single submitter. Criteria: Genomenon Sequence Variant Interpretation Standards - Updated. Collection method: curation. Allele origin: germline. Affected: yes.
Comment: GAA p.Tyr191Cys (c.572A>G) is a missense variant that changes the amino acid at codon 191 from Tyrosine to Cysteine. This variant has been observed in at least one proband with a GAA-related disorder (PMID:18429042). At least one functional study has demonstrated a substantial alteration in protein function relative to the wild-type (PMID:18429042). It is absent or not present at a significant frequency in gnomAD. In silico models predict that this variant is possibly or probably damaging. In conclusion, we classify GAA p.Tyr191Cys (c.572A>G) as a variant of uncertain significance.

Labcorp Genetics (formerly Invitae), Labcorp
Classification: Uncertain significance for Glycogen storage disease, type II. Last evaluated: 2022-07-09. Review status: criteria provided, single submitter. Criteria: Invitae Variant Classification Sherloc (09022015). Collection method: clinical testing. Allele origin: germline.
Comment: In summary, the available evidence is currently insufficient to determine the role of this variant in disease. Therefore, it has been classified as a Variant of Uncertain Significance. Experimental studies have shown that this missense change affects GAA function (PMID: 18429042). Advanced modeling of protein sequence and biophysical properties (such as structural, functional, and spatial information, amino acid conservation, physicochemical variation, residue mobility, and thermodynamic stability) performed at Invitae indicates that this missense variant is expected to disrupt GAA protein function. This missense change has been observed in individual(s) with Pompe disease (PMID: 18429042, 31342611). This variant is not present in population databases (gnomAD no frequency). This sequence change replaces tyrosine, which is neutral and polar, with cysteine, which is neutral and slightly polar, at codon 191 of the GAA protein (p.Tyr191Cys).

Revvity Omics, Revvity
Classification: Uncertain significance. Last evaluated: 2019-03-04. Review status: criteria provided, single submitter. Criteria: ACMG Guidelines, 2015. Collection method: clinical testing. Allele origin: germline.

Literature cited by the submitters: PubMed 18429042 (cited by Genomenon, Inc and Labcorp Genetics (formerly Invitae), Labcorp); PubMed 31342611 (cited by Labcorp Genetics (formerly Invitae), Labcorp).